The following is an entry in ClinVar:

NM_000145.4(FSHR):c.1669C>T (p.Arg557Trp)

Gene: FSHR (follicle stimulating hormone receptor; minus strand). Cytogenetic location: 2p16.3.
Variant type: single nucleotide variant.
Coding change: c.1669C>T on transcript NM_000145.4 (MANE Select); coding-DNA position 1669, C replaced by T.
Protein change: p.Arg557Trp; replaces arginine 557 with tryptophan.
Molecular consequence: missense variant.
Genome position (GRCh38, 1-based): chr2:48,963,152, G>A on the plus strand (C>T on the coding strand, the complement: FSHR is on the minus strand). VCF-style: chr2-48963152-G-A. GRCh37 (hg19) VCF-style: chr2-49190291-G-A.
Other names: c.1591C>T, p.Arg531Trp (NM_181446.3); short protein forms R531W, R557W.
Identifiers: ClinVar variation 1339879 (VCV001339879.5), dbSNP rs374191266, ClinGen allele CA1653616.

ClinVar aggregate classification (germline): Uncertain significance. Review status: criteria provided, multiple submitters, no conflicts (2 of 4 stars). 2 submissions from 2 submitters: Uncertain significance (2). Last evaluated 2024-05-20.

Conditions:
Ovarian hyperstimulation syndrome (OHSS). Also called: OVARIAN HYPERSTIMULATION SYNDROME, FAMILIAL GESTATIONAL SPONTANEOUS. Identifiers: Orphanet 64739, MedGen C0085083, MONDO:0011972, OMIM 608115.
Ovarian dysgenesis 1 (ODG1). Also called: Gonadal dysgenesis XX type deafness; OVARIAN DYSGENESIS, HYPERGONADOTROPIC, AUTOSOMAL RECESSIVE; OVARIAN DYSGENESIS, HYPERGONADOTROPIC, WITH NORMAL KARYOTYPE; OVARIAN FAILURE, HYPERGONADOTROPIC; GONADAL DYSGENESIS, XX TYPE. Identifiers: Orphanet 243, MedGen C0949595, MONDO:0024463, OMIM 233300.
Inborn genetic diseases. Identifiers: MedGen C0950123, MeSH D030342.

Allele frequency attached by ClinVar (database versions not stated): gnomAD exomes 0.00007 and 0.00012; ExAC 0.00008; ESP Exome Variant Server 0.00008; TOPMed 0.00012; gnomAD 0.00013 and 0.00014.
gnomAD v4.1: 192 of 1,613,926 alleles (0.012%); highest among the groups gnomAD compares: Non-Finnish European, 0.015%; no homozygotes.

Submissions (2):

Ambry Genetics
Classification: Uncertain significance for Inborn genetic diseases. Last evaluated: 2024-05-20. Review status: criteria provided, single submitter. Criteria: Ambry Variant Classification Scheme 2023. Collection method: clinical testing. Allele origin: germline.

Blueprint Genetics
Classification: Uncertain significance. Last evaluated: 2023-08-30. Review status: criteria provided, single submitter. Criteria: ACMG Guidelines, 2015. Collection method: clinical testing. Allele origin: germline.